The following is an entry in ClinVar:

ClinVar aggregate classification (germline): Uncertain significance (1 of 4 stars; one submission).

Allele frequency attached by ClinVar (database versions not stated): gnomAD exomes below 0.00001; TOPMed 0.00001; gnomAD 0.00003.
gnomAD v4.1: 8 of 1,598,254 alleles (0.0005%); highest among the groups gnomAD compares: African/African-American, 0.011%; no homozygotes.

Submission:

GeneDx
Classification: Uncertain significance. Last evaluated: 2023-07-31. Review status: criteria provided, single submitter. Criteria: GeneDx Variant Classification Process June 2021. Collection method: clinical testing. Allele origin: germline. Affected: yes.
Comment: Not observed at significant frequency in large population cohorts (gnomAD); In silico analysis supports that this missense variant has a deleterious effect on protein structure/function; Has not been previously published as pathogenic or benign to our knowledge

NM_033109.5(PNPT1):c.695C>T (p.Ser232Phe)

Gene: PNPT1 (polyribonucleotide nucleotidyltransferase 1; minus strand). Cytogenetic location: 2p16.1.
Variant type: single nucleotide variant.
Coding change: c.695C>T on transcript NM_033109.5 (MANE Select); coding-DNA position 695, C replaced by T.
Protein change: p.Ser232Phe; replaces serine 232 with phenylalanine.
Molecular consequence: missense variant.
Genome position (GRCh38, 1-based): chr2:55,673,064, G>A on the plus strand (C>T on the coding strand, the complement: PNPT1 is on the minus strand). VCF-style: chr2-55673064-G-A. GRCh37 (hg19) VCF-style: chr2-55900199-G-A.
Other names: short protein forms S232F.
Identifiers: ClinVar variation 2574719 (VCV002574719.1), dbSNP rs995232106, ClinGen allele CA47663401.